The following is an entry in ClinVar:

ClinVar aggregate classification (germline): Uncertain significance (1 of 4 stars; one submission).

Conditions:
Cardiomyopathy (CMYO). Also called: Cardiomyopathies. Identifiers: Orphanet 167848, MedGen C0878544, MONDO:0004994, HP:0001638. Inheritance: Various modes of inheritance.

Submission:

Color Diagnostics, LLC DBA Color Health
Classification: Uncertain significance for Cardiomyopathy. Last evaluated: 2020-10-26. Review status: criteria provided, single submitter. Criteria: ACMG Guidelines, 2015. Collection method: clinical testing. Allele origin: germline.
Comment: This variant deletes 2 nucleotides in exon 15 of the DSG2 gene, creating a frameshift in the last exon. The mutant transcript is expected to escape nonsense-mediated decay and be expressed as a protein product containing an altered C-terminal sequence. To our knowledge, this variant has not been reported in individuals affected with cardiovascular disorders in the literature. This variant has not been identified in the general population by the Genome Aggregation Database (gnomAD). The available evidence is insufficient to determine the role of this variant in disease conclusively. Therefore, this variant is classified as a Variant of Uncertain Significance.

NM_001943.5(DSG2):c.3225_3226del (p.Ser1077fs)

Genes: DSG2 (desmoglein 2; plus strand), DSG2-AS1 (DSG2 antisense RNA 1; minus strand). Cytogenetic location: 18q12.1.
Variant type: Deletion.
Coding change: c.3225_3226del on transcript NM_001943.5 (MANE Select); coding-DNA positions 3225 to 3226, 2 bases deleted (GG; older notation c.3225_3226delGG).
Protein change: p.Ser1077fs; shifts the reading frame from serine 1077.
Molecular consequence: frameshift variant.
Genome position (GRCh38, 1-based): chr18:31,546,611-31,546,612, GG deleted. VCF-style (leftmost placement, unchanged base first): chr18-31546610-CGG-C. GRCh37 (hg19) VCF-style: chr18-29126573-CGG-C.
Other names: short protein forms S1077fs.
Identifiers: ClinVar variation 1172092 (VCV001172092.2), dbSNP rs2144361775, ClinGen allele CA2499225129.
Genomic context (GRCh38, chr18:31,546,610, plus strand): 5'-CCACTCTGCAATCCAGTTACCAGATTCCCACTGAAAATTCTATGACGGCTAGGAACACCA[CGG>C]TGTCTGGAGCTGGAGTCCCTGGCCCTCTGCCAGATTTTGGTTTAGAGGAATCTGGTCATT-3'